The following is an entry in ClinVar:

ClinVar aggregate classification (germline): Conflicting classifications of pathogenicity. Review status: criteria provided, conflicting classifications (1 of 4 stars). 13 submissions from 13 submitters: Uncertain significance (3); Benign (1); Likely benign (9). Last evaluated 2026-02-03.

Conditions:
Hereditary cancer-predisposing syndrome. Also called: Tumor predisposition; Hereditary neoplastic syndrome; Neoplastic Syndromes, Hereditary; Hereditary Cancer Syndrome. Identifiers: Orphanet 140162, MedGen C0027672, MeSH D009386, MONDO:0015356.
Bloom syndrome (BLM). Also called: Bloom-Torre-Machacek syndrome. Identifiers: Orphanet 125, MedGen C0005859, MONDO:0008876, OMIM 210900.

Allele frequency attached by ClinVar (database versions not stated): gnomAD 0.00011; TOPMed 0.00012; ESP Exome Variant Server 0.00023; ExAC 0.00025; gnomAD exomes 0.00025.
gnomAD v4.1: 200 of 1,613,970 alleles (0.012%); highest among the groups gnomAD compares: Admixed American, 0.0067%; 1 homozygote.

Submissions (13):

Labcorp Genetics (formerly Invitae), Labcorp
Classification: Benign for Bloom syndrome. Last evaluated: 2026-02-03. Review status: criteria provided, single submitter. Criteria: Invitae Variant Classification Sherloc (09022015). Collection method: clinical testing. Allele origin: germline.

Mendelics
Classification: Likely benign for Bloom syndrome. Last evaluated: 2025-06-23. Review status: criteria provided, single submitter. Criteria: ACMG Guidelines, 2015. Collection method: clinical testing. Allele origin: unknown.
Comment: This variant is considered likely benign or benign based on one or more of the following: it is predicted to be benign by multiple in silico algorithms, and/or has population frequency not consistent with disease, and/or has normal protein function, and/or has lack of segregation with disease, and/or has been detected in co-occurrence with known pathogenic variant, and/or has lack of disease association in case-control studies, and/or is located in a region inconsistent with a known cause of pathogenicity.

Women's Health and Genetics/Laboratory Corporation of America, LabCorp
Classification: Likely benign. Last evaluated: 2025-05-30. Review status: criteria provided, single submitter. Criteria: LabCorp Variant Classification Summary - May 2015. Collection method: clinical testing. Allele origin: germline.
Comment: Variant summary: BLM c.1315A>G (p.Met439Val) results in a conservative amino acid change in the encoded protein sequence. Algorithms developed to predict the effect of missense changes on protein structure and function all suggest that this variant is likely to be tolerated. The variant allele was found at a frequency of 0.00012 in 1613970 control chromosomes, predominantly at a frequency of 0.0044 within the Ashkenazi Jewish subpopulation in the gnomAD database, including 1 homozygote. The observed variant frequency within Ashkenazi Jewish control individuals in the gnomAD database is approximately 1.24 fold of the estimated maximal expected allele frequency for a pathogenic variant in BLM causing Bloom Syndrome phenotype (0.0035). c.1315A>G has been reported as a VUS in at least one individual undergoing multigene panel testing for a suspected hereditary cancer predisposition syndrome (Tsaousis_2019), but to our knowledge has not been observed in individual(s) affected with Bloom Syndrome. This report does not provide unequivocal conclusions about association of the variant with Bloom Syndrome. To our knowledge, no experimental evidence demonstrating an impact on protein function has been reported. The following publication has been ascertained in the context of this evaluation (PMID: 31159747). ClinVar contains an entry for this variant (Variation ID: 127475). Based on the evidence outlined above, the variant was classified as likely benign.

Blueprint Genetics
Classification: Likely benign. Last evaluated: 2024-11-08. Review status: criteria provided, single submitter. Criteria: ACMG Guidelines, 2015. Collection method: clinical testing. Allele origin: germline.

GeneDx
Classification: Uncertain significance. Last evaluated: 2024-08-16. Review status: criteria provided, single submitter. Criteria: GeneDx Variant Classification Process June 2021. Collection method: clinical testing. Allele origin: germline. Affected: yes.
Comment: In silico analysis indicates that this missense variant does not alter protein structure/function; Identified in patients referred for hereditary cancer genetic testing (PMID: 31159747); This variant is associated with the following publications: (PMID: 31159747)

Quest Diagnostics Nichols Institute San Juan Capistrano
Classification: Likely benign. Last evaluated: 2023-09-14. Review status: criteria provided, single submitter. Criteria: Quest Diagnostics criteria. Collection method: clinical testing. Allele origin: unknown.

CeGaT Center for Human Genetics Tuebingen
Classification: Likely benign. Last evaluated: 2022-08-01. Review status: criteria provided, single submitter. Criteria: CeGaT Center For Human Genetics Tuebingen Variant Classification Criteria Version 2. Collection method: clinical testing. Allele origin: germline. Affected: yes. Observed: 1 variant allele.
Comment: BLM: BP4

Sema4
Classification: Likely benign for Hereditary cancer-predisposing syndrome. Last evaluated: 2020-12-01. Review status: criteria provided, single submitter. Criteria: Sema4 Curation Guidelines. Collection method: curation. Allele origin: germline.

Baylor Genetics
Classification: Uncertain significance for Bloom syndrome. Last evaluated: 2019-01-17. Review status: criteria provided, single submitter. Criteria: ACMG Guidelines, 2015. Collection method: clinical testing. Allele origin: unknown. Affected: yes. Study: CSER-TexasKidsCanSeq.
Comment: This variant was determined to be of uncertain significance according to ACMG Guidelines, 2015 [PMID:25741868].

Ambry Genetics
Classification: Likely benign for Hereditary cancer-predisposing syndrome. Last evaluated: 2018-10-30. Review status: criteria provided, single submitter. Criteria: Ambry Variant Classification Scheme 2023. Collection method: clinical testing. Allele origin: germline.

GeneKor MSA
Classification: Likely benign for Hereditary cancer-predisposing syndrome. Last evaluated: 2018-08-01. Review status: criteria provided, single submitter. Criteria: ACMG Guidelines, 2015. Collection method: clinical testing. Allele origin: germline. Affected: no.

Genetic Services Laboratory, University of Chicago
Classification: Likely benign. Last evaluated: 2018-04-16. Review status: criteria provided, single submitter. Criteria: ACMG Guidelines, 2015. Collection method: clinical testing. Allele origin: germline. Affected: no.

Illumina Laboratory Services, Illumina
Classification: Uncertain significance for Bloom syndrome. Last evaluated: 2018-01-12. Review status: criteria provided, single submitter. Criteria: ICSL Variant Classification Criteria 13 December 2019. Collection method: clinical testing. Allele origin: germline.

Literature cited by the submitters: PubMed 31159747 (cited by Women's Health and Genetics/Laboratory Corporation of America, LabCorp and Quest Diagnostics Nichols Institute San Juan Capistrano).

NM_000057.4(BLM):c.1315A>G (p.Met439Val)

Gene: BLM (BLM RecQ like helicase; plus strand). Cytogenetic location: 15q26.1.
Variant type: single nucleotide variant.
Coding change: c.1315A>G on transcript NM_000057.4 (MANE Select); coding-DNA position 1315, A replaced by G.
Protein change: p.Met439Val; replaces methionine 439 with valine.
Molecular consequence: missense variant.
Genome position (GRCh38, 1-based): chr15:90,760,688, A>G. VCF-style: chr15-90760688-A-G. GRCh37 (hg19) VCF-style: chr15-91303918-A-G.
Other names: p.M439V:ATG>GTG; c.1315A>G, p.Met439Val (NM_001287246.2, NM_001287247.2); c.190A>G, p.Met64Val (NM_001287248.2); short protein forms M439V, M64V.
Identifiers: ClinVar variation 127475 (VCV000127475.54), dbSNP rs201231857, ClinGen allele CA287058.